The following is an entry in ClinVar:

ClinVar aggregate classification (germline): Benign/Likely benign. Review status: criteria provided, multiple submitters, no conflicts (2 of 4 stars). 15 submissions from 12 submitters: Benign (9); Likely benign (6). Last evaluated 2026-02-03.

Conditions:
Cardiovascular phenotype. Identifiers: MedGen CN230736.
Autosomal recessive limb-girdle muscular dystrophy type 2J (LGMDR10). Also called: Limb-girdle muscular dystrophy, type 2J; MUSCULAR DYSTROPHY, LIMB-GIRDLE, AUTOSOMAL RECESSIVE 10. Identifiers: Orphanet 140922, MedGen C1837342, MONDO:0012127, OMIM 608807.
Dilated cardiomyopathy 1G (CMD1G). Identifiers: Orphanet 154, MedGen C1858763, MONDO:0011400, OMIM 604145.
Cardiomyopathy (CMYO). Also called: Cardiomyopathies. Identifiers: Orphanet 167848, MedGen C0878544, MONDO:0004994, HP:0001638. Inheritance: Various modes of inheritance.
Early-onset myopathy with fatal cardiomyopathy (CMYO5). Also called: Salih Myopathy; CONGENITAL MYOPATHY 5 WITH CARDIOMYOPATHY. Identifiers: Orphanet 289377, MedGen C2673677, MONDO:0012714, OMIM 611705. Disease mechanism: loss of function.
Myopathy, myofibrillar, 9, with early respiratory failure (MFM9). Also called: Hereditary myopathy with early respiratory failure; EDSTROM MYOPATHY; MYOPATHY, PROXIMAL, WITH EARLY RESPIRATORY MUSCLE INVOLVEMENT; Myopathy, distal, with early respiratory failure, autosomal dominant. Identifiers: Orphanet 178464, Orphanet 34521, MedGen C1863599, MONDO:0011362, OMIM 603689.
Tibial muscular dystrophy (TMD). Also called: UDD MYOPATHY; Udd Distal Myopathy – Tibial Muscular Dystrophy; Tibial muscular dystrophy, tardive. Identifiers: Orphanet 609, MedGen C1838244, MONDO:0010870, OMIM 600334.

Allele frequency attached by ClinVar (database versions not stated): gnomAD exomes 0.00019 and 0.00045; ExAC 0.00051; 1000 Genomes Project 0.00120; 1000 Genomes Project 30x 0.00125; ESP Exome Variant Server 0.00177; gnomAD 0.00183 and 0.00201; TOPMed 0.00235.
gnomAD v4.1: 568 of 1,611,348 alleles (0.035%); highest among the groups gnomAD compares: African/African-American, 0.61%; no homozygotes.

Submissions (15):

Labcorp Genetics (formerly Invitae), Labcorp
Classification: Benign for Dilated cardiomyopathy 1G; Autosomal recessive limb-girdle muscular dystrophy type 2J. Last evaluated: 2026-02-03. Review status: criteria provided, single submitter. Criteria: Invitae Variant Classification Sherloc (09022015). Collection method: clinical testing. Allele origin: germline.

Molecular Diagnostic Laboratory for Inherited Cardiovascular Disease, Montreal Heart Institute
Classification: Likely benign. Last evaluated: 2025-04-09. Review status: criteria provided, single submitter. Criteria: ACMG Guidelines, 2015. Collection method: clinical testing. Allele origin: germline. Affected: no.

Mayo Clinic Laboratories, Mayo Clinic
Classification: Likely benign. Last evaluated: 2025-02-03. Review status: criteria provided, single submitter. Criteria: ACMG Guidelines, 2015. Collection method: clinical testing. Allele origin: germline. Observed: 3 variant alleles.
Comment: BS1, BP4

Blueprint Genetics
Classification: Benign. Last evaluated: 2024-06-26. Review status: criteria provided, single submitter. Criteria: ACMG Guidelines, 2015. Collection method: clinical testing. Allele origin: germline.

Women's Health and Genetics/Laboratory Corporation of America, LabCorp
Classification: Likely benign. Last evaluated: 2023-08-19. Review status: criteria provided, single submitter. Criteria: LabCorp Variant Classification Summary - May 2015. Collection method: clinical testing. Allele origin: germline.

Genome-Nilou Lab
Classification: Benign for Autosomal recessive limb-girdle muscular dystrophy type 2J. Last evaluated: 2021-09-10. Review status: criteria provided, single submitter. Criteria: ACMG Guidelines, 2015. Collection method: clinical testing. Allele origin: germline. Affected: no.

Genome-Nilou Lab
Classification: Benign for Myopathy, myofibrillar, 9, with early respiratory failure. Last evaluated: 2021-09-10. Review status: criteria provided, single submitter. Criteria: ACMG Guidelines, 2015. Collection method: clinical testing. Allele origin: germline. Affected: no.

Genome-Nilou Lab
Classification: Benign for Early-onset myopathy with fatal cardiomyopathy. Last evaluated: 2021-09-10. Review status: criteria provided, single submitter. Criteria: ACMG Guidelines, 2015. Collection method: clinical testing. Allele origin: germline. Affected: no.

Genome-Nilou Lab
Classification: Benign for Tibial muscular dystrophy. Last evaluated: 2021-09-10. Review status: criteria provided, single submitter. Criteria: ACMG Guidelines, 2015. Collection method: clinical testing. Allele origin: germline. Affected: no.

GeneDx
Classification: Likely benign. Last evaluated: 2021-06-15. Review status: criteria provided, single submitter. Criteria: GeneDx Variant Classification Process June 2021. Collection method: clinical testing. Allele origin: germline. Affected: yes.
Comment: This variant is associated with the following publications: (PMID: 23861362)

Laboratory for Molecular Medicine, Mass General Brigham Personalized Medicine
Classification: Benign. Last evaluated: 2017-11-22. Review status: criteria provided, single submitter. Criteria: LMM Criteria. Collection method: clinical testing. Allele origin: germline. Observed: 4 variant alleles.
Comment: p.Ala12997Ser in exon 199 of TTN: This variant is not expected to have clinical significance because it has been identified in 0.6% (150/23938) of African chrom osomes by the Genome Aggregation Database (gnomAD. org; dbSNP rs145520397). BA1

CHEO Genetics Diagnostic Laboratory, Children's Hospital of Eastern Ontario
Classification: Benign for Cardiomyopathy. Last evaluated: 2016-08-11. Review status: criteria provided, single submitter. Criteria: ACMG Guidelines, 2015. Collection method: clinical testing. Allele origin: germline. Study: Canadian Open Genetics Repository.

Eurofins Ntd Llc (ga)
Classification: Likely benign. Last evaluated: 2014-09-03. Review status: criteria provided, single submitter. Criteria: EGL Classification Definitions 2015. Collection method: clinical testing. Allele origin: germline. Observed: 1 variant allele, 1 heterozygote.

Ambry Genetics
Classification: Likely benign for Cardiovascular phenotype. Last evaluated: 2013-07-15. Review status: criteria provided, single submitter. Criteria: Ambry Autosomal Dominant and X-Linked criteria (10/2015). Collection method: clinical testing. Allele origin: germline. Observed: 1 variant allele.

Biesecker Lab/Clinical Genomics Section, National Institutes of Health
Classification: Benign. Last evaluated: 2013-06-24. Review status: criteria provided, single submitter. Criteria: Ng et al. (Circ Cardiovasc Genet. 2013). Collection method: research. Allele origin: unknown. Observed: 1 variant allele. Study: ClinSeq.
Comment: The study set was not selected for affection status in relation to any cancer. Pathogenicity categories were based on literature curation. See Pubmed ID:23861362 for details.

Medical sequencing

NM_001267550.2(TTN):c.46693G>T (p.Ala15565Ser)

Genes: TTN (titin; minus strand), TTN-AS1 (TTN antisense RNA 1; plus strand). Cytogenetic location: 2q31.2.
Variant type: single nucleotide variant.
Coding change: c.46693G>T on transcript NM_001267550.2 (MANE Select); coding-DNA position 46693, G replaced by T.
Protein change: p.Ala15565Ser; replaces alanine 15565 with serine.
Molecular consequence: missense variant.
Genome position (GRCh38, 1-based): chr2:178,619,624, C>A on the plus strand (G>T on the coding strand, the complement: TTN is on the minus strand). VCF-style: chr2-178619624-C-A. GRCh37 (hg19) VCF-style: chr2-179484351-C-A.
Other names: p.A13924S:GCA>TCA; c.19498G>T, p.Ala6500Ser (NM_003319.4); c.19873G>T, p.Ala6625Ser (NM_133432.3); c.20074G>T, p.Ala6692Ser (NM_133437.4); c.41770G>T, p.Ala13924Ser (NM_001256850.1); c.38989G>T, p.Ala12997Ser (NM_133378.4); short protein forms A15565S, A12997S, A13924S, A6625S, A6692S, A6500S.
Identifiers: ClinVar variation 47002 (VCV000047002.31), dbSNP rs145520397, ClinGen allele CA139734.